The following is an entry in ClinVar:

ClinVar aggregate classification (germline): Uncertain significance. Review status: criteria provided, multiple submitters, no conflicts (2 of 4 stars). 2 submissions from 2 submitters: Uncertain significance (2). Last evaluated 2022-07-12.

Conditions:
Meckel-Gruber syndrome. Also called: DYSENCEPHALIA SPLANCHNOCYSTICA; GRUBER SYNDROME; Dysencephalia splachnocystica. Identifiers: Orphanet 564, MedGen C0265215, MONDO:0018921.
Joubert syndrome. Also called: CEREBELLOPARENCHYMAL DISORDER IV; JOUBERT-BOLTSHAUSER SYNDROME; Familial aplasia of the vermis. Identifiers: Orphanet 475, MedGen C5979921, MONDO:0018772.
Joubert syndrome 13 (JBTS13). Identifiers: Orphanet 475, MedGen C3280031, MONDO:0013608, OMIM 614173.

Allele frequency attached by ClinVar (database versions not stated): gnomAD exomes below 0.00001.
gnomAD v4.1: 1 of 1,614,220 alleles (0.000062%); highest among the groups gnomAD compares: Non-Finnish European, 0.000085%; no homozygotes.

Submissions (2):

Labcorp Genetics (formerly Invitae), Labcorp
Classification: Uncertain significance for Joubert syndrome; Meckel-Gruber syndrome. Last evaluated: 2022-07-12. Review status: criteria provided, single submitter. Criteria: Invitae Variant Classification Sherloc (09022015). Collection method: clinical testing. Allele origin: germline.
Comment: In summary, the available evidence is currently insufficient to determine the role of this variant in disease. Therefore, it has been classified as a Variant of Uncertain Significance. Algorithms developed to predict the effect of missense changes on protein structure and function (SIFT, PolyPhen-2, Align-GVGD) all suggest that this variant is likely to be disruptive. ClinVar contains an entry for this variant (Variation ID: 883243). This variant has not been reported in the literature in individuals affected with TCTN1-related conditions. This variant is present in population databases (no rsID available, gnomAD no frequency). This sequence change replaces phenylalanine, which is neutral and non-polar, with serine, which is neutral and polar, at codon 562 of the TCTN1 protein (p.Phe562Ser).

Illumina Laboratory Services, Illumina
Classification: Uncertain significance for Joubert syndrome 13. Last evaluated: 2018-01-12. Review status: criteria provided, single submitter. Criteria: ICSL Variant Classification Criteria 13 December 2019. Collection method: clinical testing. Allele origin: germline.

NM_001082538.3(TCTN1):c.1685T>C (p.Phe562Ser)

Gene: TCTN1 (tectonic family member 1; plus strand). Cytogenetic location: 12q24.11.
Variant type: single nucleotide variant.
Coding change: c.1685T>C on transcript NM_001082538.3 (MANE Select); coding-DNA position 1685, T replaced by C.
Protein change: p.Phe562Ser; replaces phenylalanine 562 with serine.
Molecular consequence: missense variant. On other transcripts: non-coding transcript variant (1).
Genome position (GRCh38, 1-based): chr12:110,647,798, T>C. VCF-style: chr12-110647798-T-C. GRCh37 (hg19) VCF-style: chr12-111085603-T-C.
Other names: c.1670T>C, p.Phe557Ser (NM_001082537.3); c.1502T>C, p.Phe501Ser (NM_001173975.3); c.1358T>C, p.Phe453Ser (NM_001173976.2); c.1523T>C, p.Phe508Ser (NM_001319680.2); c.1136T>C, p.Phe379Ser (NM_001319681.2); c.1628T>C, p.Phe543Ser (NM_024549.6); short protein forms F379S, F453S, F543S, F557S, F501S, F508S, F562S.
Identifiers: ClinVar variation 883243 (VCV000883243.12), dbSNP rs1277761197, ClinGen allele CA386695846.